The following is an entry in ClinVar:

NM_003998.4(NFKB1):c.202G>A (p.Gly68Ser)

Gene: NFKB1 (nuclear factor kappa B subunit 1; plus strand). Cytogenetic location: 4q24.
Variant type: single nucleotide variant.
Coding change: c.202G>A on transcript NM_003998.4 (MANE Select); coding-DNA position 202, G replaced by A.
Protein change: p.Gly68Ser; replaces glycine 68 with serine.
Molecular consequence: missense variant.
Genome position (GRCh38, 1-based): chr4:102,537,900, G>A. VCF-style: chr4-102537900-G-A. GRCh37 (hg19) VCF-style: chr4-103459057-G-A.
Other names: c.199G>A, p.Gly67Ser (NM_001165412.2, NM_001319226.2, NM_001382627.1); c.202G>A, p.Gly68Ser (NM_001382625.1, NM_001382626.1); c.160G>A, p.Gly54Ser (NM_001382628.1); short protein forms G54S, G67S, G68S.
Identifiers: ClinVar variation 1353014 (VCV001353014.8), dbSNP rs2149127915, ClinGen allele CA357957694.

ClinVar aggregate classification (germline): Uncertain significance (1 of 4 stars; one submission).

gnomAD v4.1: 1 of 1,612,736 alleles (0.000062%); highest among the groups gnomAD compares: Non-Finnish European, 0.000085%; no homozygotes.

Submission:

Labcorp Genetics (formerly Invitae), Labcorp
Classification: Uncertain significance. Last evaluated: 2022-06-27. Review status: criteria provided, single submitter. Criteria: Invitae Variant Classification Sherloc (09022015). Collection method: clinical testing. Allele origin: germline.
Comment: In summary, the available evidence is currently insufficient to determine the role of this variant in disease. Therefore, it has been classified as a Variant of Uncertain Significance. Algorithms developed to predict the effect of sequence changes on RNA splicing suggest that this variant may create or strengthen a splice site. Algorithms developed to predict the effect of missense changes on protein structure and function are either unavailable or do not agree on the potential impact of this missense change (SIFT: "Deleterious"; PolyPhen-2: "Probably Damaging"; Align-GVGD: "Class C0"). This variant has not been reported in the literature in individuals affected with NFKB1-related conditions. This variant is not present in population databases (gnomAD no frequency). This sequence change replaces glycine, which is neutral and non-polar, with serine, which is neutral and polar, at codon 68 of the NFKB1 protein (p.Gly68Ser).